The following is an entry in ClinVar:

NM_003002.4(SDHD):c.230T>C (p.Leu77Pro)

Gene: SDHD (succinate dehydrogenase complex subunit D; plus strand). Cytogenetic location: 11q23.1.
Variant type: single nucleotide variant.
Coding change: c.230T>C on transcript NM_003002.4 (MANE Select); coding-DNA position 230, T replaced by C.
Protein change: p.Leu77Pro; replaces leucine 77 with proline.
Molecular consequence: missense variant. On other transcripts: non-coding transcript variant (1), intron variant (1).
Genome position (GRCh38, 1-based): chr11:112,088,927, T>C. VCF-style: chr11-112088927-T-C. GRCh37 (hg19) VCF-style: chr11-111959651-T-C.
Other names: c.113T>C, p.Leu38Pro (NM_001276504.2); c.230T>C, p.Leu77Pro (NM_001276506.2); c.169+954T>C (NM_001276503.2); short protein forms L38P, L77P.
Identifiers: ClinVar variation 1352132 (VCV001352132.8), dbSNP rs777963699, ClinGen allele CA070888.
Genomic context (GRCh38, chr11:112,088,927, plus strand): 5'-CTGGCTCCAAGGCTGCATCTCTCCACTGGACTAGCGAGAGGGTTGTCAGTGTTTTGCTCC[T>C]GGGTCTGCTTCCGGCTGCTTATTTGAATCCTTGCTCTGCGATGGACTATTCCCTGGCTGC-3'
Protein context (NP_002993.1, residues 67-87): TSERVVSVLL[Leu77Pro]GLLPAAYLNP

ClinVar aggregate classification (germline): Uncertain significance (1 of 4 stars; one submission).

Conditions:
Pheochromocytoma. Also called: MAX-Related Hereditary Paraganglioma-Pheochromocytoma Syndrome. Identifiers: Orphanet 29072, MedGen C0031511, MONDO:0008233, OMIM 171300, HP:0002666.
Paragangliomas with sensorineural hearing loss. Identifiers: MedGen C1868633.
Carney-Stratakis syndrome. Also called: PARAGANGLIOMA AND GASTROINTESTINAL STROMAL TUMOR. Identifiers: Orphanet 97286, MedGen C1847319, MONDO:0011740, OMIM 606864.
Cowden syndrome 3 (CWS3). Identifiers: Orphanet 201, MedGen CN166604, MONDO:0014045.

Allele frequency attached by ClinVar (database versions not stated): gnomAD exomes 0.00001; ExAC 0.00002.
gnomAD v4.1: 3 of 1,613,542 alleles (0.00019%); highest among the groups gnomAD compares: Non-Finnish European, 0.00025%; no homozygotes.

Submission:

Labcorp Genetics (formerly Invitae), Labcorp
Classification: Uncertain significance for Carney-Stratakis syndrome; Paragangliomas with sensorineural hearing loss; Pheochromocytoma; Cowden syndrome 3. Last evaluated: 2021-03-22. Review status: criteria provided, single submitter. Criteria: Invitae Variant Classification Sherloc (09022015). Collection method: clinical testing. Allele origin: germline.
Comment: This variant has not been reported in the literature in individuals with SDHD-related conditions. In summary, the available evidence is currently insufficient to determine the role of this variant in disease. Therefore, it has been classified as a Variant of Uncertain Significance. Advanced modeling of protein sequence and biophysical properties (such as structural, functional, and spatial information, amino acid conservation, physicochemical variation, residue mobility, and thermodynamic stability) performed at Invitae indicates that this missense variant is expected to disrupt SDHD protein function. The frequency data for this variant in the population databases is considered unreliable, as metrics indicate poor data quality at this position in the ExAC database. This sequence change replaces leucine with proline at codon 77 of the SDHD protein (p.Leu77Pro). The leucine residue is highly conserved and there is a moderate physicochemical difference between leucine and proline.